The following is an entry in ClinVar:

ClinVar aggregate classification (germline): Uncertain significance (1 of 4 stars; one submission).

Conditions:
Inborn genetic diseases. Identifiers: MedGen C0950123, MeSH D030342.

Submission:

Ambry Genetics
Classification: Uncertain significance for Inborn genetic diseases. Last evaluated: 2025-08-01. Review status: criteria provided, single submitter. Criteria: Ambry Variant Classification Scheme 2023. Collection method: clinical testing. Allele origin: germline.
Comment: The p.K149N variant (also known as c.447G>T), located in coding exon 3 of the MECOM gene, results from a G to T substitution at nucleotide position 447. The lysine at codon 149 is replaced by asparagine, an amino acid with similar properties. This amino acid position is conserved. In addition, this alteration is predicted to be tolerated by in silico analysis. Based on the available evidence, the clinical significance of this variant remains unclear.

NM_004991.4(MECOM):c.447G>T (p.Lys149Asn)

Gene: MECOM (MDS1 and EVI1 complex locus; minus strand). Cytogenetic location: 3q26.2.
Variant type: single nucleotide variant.
Coding change: c.447G>T on transcript NM_004991.4 (MANE Select); coding-DNA position 447, G replaced by T.
Protein change: p.Lys149Asn; replaces lysine 149 with asparagine.
Molecular consequence: missense variant. On other transcripts: 5 prime UTR variant (12).
Genome position (GRCh38, 1-based): chr3:169,143,761, C>A on the plus strand (G>T on the coding strand, the complement: MECOM is on the minus strand). VCF-style: chr3-169143761-C-A. GRCh37 (hg19) VCF-style: chr3-168861549-C-A.
Other names: c.75G>T, p.Lys25Asn (NM_001105077.4); c.-118G>T (NM_001105078.4, NM_001163999.2, NM_001164000.2 and 9 more transcripts); c.447G>T, p.Lys149Asn (NM_001366466.2, NM_001366473.2); short protein forms K149N, K25N.
Identifiers: ClinVar variation 4105810 (VCV004105810.1).